The following is an entry in ClinVar:

ClinVar aggregate classification (germline): Benign. Review status: reviewed by expert panel (3 of 4 stars). 6 submissions from 6 submitters: Benign (1). 5 of the submissions do not count toward it. Last evaluated 2024-02-12.

Conditions:
Mitochondrial disease. Also called: Mitochondrial disorder; Mitochondrial disorders. Identifiers: Orphanet 68380, MedGen C0751651, MeSH D028361, MONDO:0044970.
MELAS syndrome (MELAS). Also called: Juvenile myopathy, encephalopathy, lactic acidosis, stroke. Identifiers: Orphanet 550, MedGen C0162671, MONDO:0010789, OMIM 540000.
Sensorineural deafness and migraine. Identifiers: MedGen C4016609.

Submissions (6):

ClinGen Mitochondrial Disease Nuclear and Mitochondrial  Variant Curation Expert Panel, ClinGen
Classification: Benign for Mitochondrial disease. Last evaluated: 2024-02-12. Review status: reviewed by expert panel. Criteria: clingen mito disease acmg specifications v1-1. Collection method: curation. Allele origin: germline. Inheritance: Mitochondrial inheritance.
Comment: The m.4336T>C variant in MT-TQ was reviewed by the Mitochondrial Disease Nuclear and Mitochondrial Variant Curation Expert Panel on February 12, 2024. This variant has not been reported in the medical literature as causative in individuals or families with primary mitochondrial disease to our knowledge. However, this variant has been reported to be associated with Parkinson and Alzheimer diseases. There are many occurrences of this variant in healthy population databases, including in gnomAD v3.1.2 (737/56,424 or 1.306%), in the Helix dataset (3,949/195,983 or 2.015%), and in the GenBank dataset (535/61,134 or 0.875%), and this variant is seen across haplogroups including haplogroups H, U, A, B, J, HV, K, L3, M, Z, T, C, and V (BA1). Computational predictors are discordant as MitoTIP suggests this variant is benign (37.7 percentile) and HmtVAR predicts it to be pathogenic (0.4). In summary, as association studies linking this variant with Parkinson and Alzheimer diseases are outside the scope of this curation, this variant meets criteria to be classified as benign for primary mitochondrial disease inherited in a mitochondrial manner. This classification was approved by the NICHD/NINDS U24 ClinGen Mitochondrial Disease Variant Curation Expert Panel on February 12, 2024. Mitochondrial DNA-specific ACMG/AMP criteria applied (PMID: 32906214): BA1.

Laboratory of Genetics, Children's Clinical University Hospital Latvia
Classification: Likely benign. Last evaluated: 2025-02-16. Review status: criteria provided, single submitter. Criteria: ACMG Guidelines, 2015. Collection method: clinical testing. Allele origin: germline. Affected: yes. Not counted in ClinVar's aggregate classification.

Athena Diagnostics
Classification: Benign. Last evaluated: 2020-08-17. Review status: criteria provided, single submitter. Criteria: Athena Diagnostics Criteria. Collection method: clinical testing. Allele origin: unknown. Not counted in ClinVar's aggregate classification.

Wong Mito Lab, Molecular and Human Genetics, Baylor College of Medicine
Classification: Benign for MELAS syndrome. Last evaluated: 2019-07-12. Review status: criteria provided, single submitter. Criteria: Modified ACMG Guidelines (Unpublished). Collection method: clinical testing. Allele origin: germline. Not counted in ClinVar's aggregate classification.
Comment: The NC_012920.1:m.4336T>C variant in MT-TQ gene is interpreted to be a Benign variant based on the modified ACMG guidelines (unpublished). This variant meets the following evidence codes reported in the guidelines: BS1, BS4

Center for Pediatric Genomic Medicine, Children's Mercy Hospital and Clinics
Classification: Uncertain significance. Last evaluated: 2015-05-26. Review status: criteria provided, single submitter. Criteria: ACMG Guidelines, 2015. Collection method: clinical testing. Allele origin: germline. Not counted in ClinVar's aggregate classification.
ClinVar note: Converted during submission from Uncertain Significance to Uncertain significance.

OMIM
Classification: Pathogenic for SENSORINEURAL DEAFNESS AND MIGRAINE. Last evaluated: 2001-06-01. Review status: no assertion criteria provided. Collection method: literature only. Allele origin: germline. Not counted in ClinVar's aggregate classification.

Literature cited by the submitters: PubMed 11424923 (cited by Athena Diagnostics and OMIM); PubMed 29340697 (cited by Athena Diagnostics); PubMed 32470904 (cited by Athena Diagnostics); PubMed 20700462 (cited by Athena Diagnostics); PubMed 21526175 (cited by Athena Diagnostics); PubMed 31965079 (cited by Wong Mito Lab, Molecular and Human Genetics, Baylor College of Medicine).

NC_012920.1(MT-TQ):m.4336T>C

Genes: MT-CO1 (mitochondrially encoded cytochrome c oxidase I; plus strand), MT-TQ (mitochondrially encoded tRNA glutamine; minus strand).
Variant type: single nucleotide variant.
Genome position: chrM-4336-T-C.
Other names: 4336A-G.
Identifiers: ClinVar variation 9615 (VCV000009615.7), dbSNP rs41456348, ClinGen allele CA340926.